The following is an entry in ClinVar:

ClinVar aggregate classification (germline): Uncertain significance. Review status: criteria provided, multiple submitters, no conflicts (2 of 4 stars). 3 submissions from 3 submitters: Uncertain significance (3). Last evaluated 2026-09-24.

Allele frequency attached by ClinVar (database versions not stated): gnomAD 0.00001; ExAC 0.00002; 1000 Genomes Project 30x 0.00062; 1000 Genomes Project 0.00020; gnomAD exomes below 0.00001; TOPMed 0.00002.
gnomAD v4.1: 6 of 1,614,094 alleles (0.00037%); highest among the groups gnomAD compares: Admixed American, 0.0083%; no homozygotes.

Submissions (3):

GeneDx
Classification: Uncertain significance. Last evaluated: 2026-09-24. Review status: criteria provided, single submitter. Criteria: GeneDx Variant Classification Process June 2021. Collection method: clinical testing. Allele origin: germline.
Comment: Not observed at significant frequency in large population cohorts (gnomAD); Missense variant in a gene in which most reported pathogenic variants are truncating/loss of function; This variant is associated with the following publications: (PMID: 41647802, 37936622)

Mayo Clinic Laboratories, Mayo Clinic
Classification: Uncertain significance. Last evaluated: 2024-08-06. Review status: criteria provided, single submitter. Criteria: ACMG Guidelines, 2015. Collection method: clinical testing. Allele origin: germline. Observed: 1 variant allele.
Comment: BP4

Women's Health and Genetics/Laboratory Corporation of America, LabCorp
Classification: Uncertain significance. Last evaluated: 2023-08-19. Review status: criteria provided, single submitter. Criteria: LabCorp Variant Classification Summary - May 2015. Collection method: clinical testing. Allele origin: germline.

Literature cited by the submitters: PubMed 37936622 (cited by Mayo Clinic Laboratories, Mayo Clinic).

NM_001267550.2(TTN):c.9670A>G (p.Arg3224Gly)

Gene: TTN (titin; minus strand). Cytogenetic location: 2q31.2.
Variant type: single nucleotide variant.
Coding change: c.9670A>G on transcript NM_001267550.2 (MANE Select); coding-DNA position 9670, A replaced by G.
Protein change: p.Arg3224Gly; replaces arginine 3224 with glycine.
Molecular consequence: missense variant.
Genome position (GRCh38, 1-based): chr2:178,766,414, T>C on the plus strand (A>G on the coding strand, the complement: TTN is on the minus strand). VCF-style: chr2-178766414-T-C. GRCh37 (hg19) VCF-style: chr2-179631141-T-C.
Other names: p.Arg3224Gly; c.9670A>G, p.Arg3224Gly (NM_001256850.1, NM_133378.4, NM_133379.5); c.9532A>G, p.Arg3178Gly (NM_003319.4, NM_133432.3, NM_133437.4); short protein forms R3178G, R3224G.
Identifiers: ClinVar variation 2581256 (VCV002581256.5), dbSNP rs557221911, ClinGen allele CA2004268.
Genomic context (GRCh38, chr2:178,766,414, plus strand): 5'-AATATGCTGAAATCTGTCCCTACATACCATTGACATAGAGAGTGACAGAACTCCTGTTCC[T>C]TCCTGCCACAAAGGTGTATTCTCCTGCATCGCTCTGTCTGGTCTCAGAGATAAACATTCG-3'
Protein context (NP_001254479.2, residues 3214-3234): DAGEYTFVAG[Arg3224Gly]NRSSVTLYVN